The following is an entry in ClinVar:

NM_032856.5(WDR73):c.1090G>A (p.Ala364Thr)

Gene: WDR73 (WD repeat domain 73; minus strand). Cytogenetic location: 15q25.2.
Variant type: single nucleotide variant.
Coding change: c.1090G>A on transcript NM_032856.5 (MANE Select); coding-DNA position 1090, G replaced by A.
Protein change: p.Ala364Thr; replaces alanine 364 with threonine.
Molecular consequence: missense variant. On other transcripts: non-coding transcript variant (4).
Genome position (GRCh38, 1-based): chr15:84,643,517, C>T on the plus strand (G>A on the coding strand, the complement: WDR73 is on the minus strand). VCF-style: chr15-84643517-C-T. GRCh37 (hg19) VCF-style: chr15-85186748-C-T.
Other names: short protein forms A364T.
Identifiers: ClinVar variation 2167964 (VCV002167964.4), dbSNP rs748284074, ClinGen allele CA7707144.

ClinVar aggregate classification (germline): Uncertain significance (1 of 4 stars; one submission).

Allele frequency attached by ClinVar (database versions not stated): TOPMed 0.00002; gnomAD exomes 0.00003; ExAC 0.00011.
gnomAD v4.1: 47 of 1,586,498 alleles (0.003%); highest among the groups gnomAD compares: South Asian, 0.017%; 1 homozygote.

Submission:

Labcorp Genetics (formerly Invitae), Labcorp
Classification: Uncertain significance. Last evaluated: 2024-12-02. Review status: criteria provided, single submitter. Criteria: Invitae Variant Classification Sherloc (09022015). Collection method: clinical testing. Allele origin: germline.
Comment: This sequence change replaces alanine, which is neutral and non-polar, with threonine, which is neutral and polar, at codon 364 of the WDR73 protein (p.Ala364Thr). This variant is present in population databases (rs748284074, gnomAD 0.02%). This variant has not been reported in the literature in individuals affected with WDR73-related conditions. ClinVar contains an entry for this variant (Variation ID: 2167964). Invitae Evidence Modeling of protein sequence and biophysical properties (such as structural, functional, and spatial information, amino acid conservation, physicochemical variation, residue mobility, and thermodynamic stability) indicates that this missense variant is not expected to disrupt WDR73 protein function with a negative predictive value of 80%. In summary, the available evidence is currently insufficient to determine the role of this variant in disease. Therefore, it has been classified as a Variant of Uncertain Significance.